The following is an entry in ClinVar:

ClinVar aggregate classification (germline): Pathogenic (1 of 4 stars; one submission).

Conditions:
Hereditary cancer-predisposing syndrome. Also called: Hereditary Cancer Syndrome; Hereditary neoplastic syndrome; Neoplastic Syndromes, Hereditary; Tumor predisposition. Identifiers: Orphanet 140162, MedGen C0027672, MeSH D009386, MONDO:0015356.

Submission:

Ambry Genetics
Classification: Pathogenic for Hereditary cancer-predisposing syndrome. Last evaluated: 2019-05-17. Review status: criteria provided, single submitter. Criteria: Ambry Variant Classification Scheme 2023. Collection method: clinical testing. Allele origin: germline.
Comment: The c.4348delC pathogenic mutation, located in coding exon 28 of the ATM gene, results from a deletion of one nucleotide at nucleotide position 4348, causing a translational frameshift with a predicted alternate stop codon (p.Leu1450*). This alteration is expected to result in loss of function by premature protein truncation or nonsense-mediated mRNA decay. As such, this alteration is interpreted as a disease-causing mutation.

NM_000051.4(ATM):c.4348del (p.Leu1449_Leu1450insTer)

Gene: ATM (ATM serine/threonine kinase; plus strand). Cytogenetic location: 11q22.3.
Variant type: Deletion.
Coding change: c.4348del on transcript NM_000051.4 (MANE Select); coding-DNA position 4348, one base deleted (C; older notation c.4348delC).
Protein change: p.Leu1449_Leu1450insTer.
Molecular consequence: nonsense.
Genome position (GRCh38, 1-based): chr11:108,289,713, C deleted. VCF-style (leftmost placement, unchanged base first): chr11-108289712-AC-A. GRCh37 (hg19) VCF-style: chr11-108160439-AC-A.
Other names: c.4348del, p.Leu1449_Leu1450insTer (NM_001351834.2).
Identifiers: ClinVar variation 1739900 (VCV001739900.2), dbSNP rs2546909840, ClinGen allele CA2580083225.